The following is an entry in ClinVar:

NM_006767.4(LZTR1):c.888C>G (p.Leu296=)

Gene: LZTR1 (leucine zipper like post translational regulator 1; plus strand). Cytogenetic location: 22q11.21.
Variant type: single nucleotide variant.
Coding change: c.888C>G on transcript NM_006767.4 (MANE Select); coding-DNA position 888, C replaced by G.
Protein change: p.Leu296=; no amino-acid change (leucine 296 retained).
Molecular consequence: synonymous variant.
Genome position (GRCh38, 1-based): chr22:20,991,724, C>G. VCF-style: chr22-20991724-C-G. GRCh37 (hg19) VCF-style: chr22-21346013-C-G.
Identifiers: ClinVar variation 1401241 (VCV001401241.34), dbSNP rs772839774, ClinGen allele CA10118656.
Genomic context (GRCh38, chr22:20,991,724, plus strand): 5'-CTCCCCACCACCCCCGCAGCGGCGCTACGGGCATACCATGGTGGCCTTTGACCGCCACCT[C>G]TATGTGTTTGGGGGTGCGGCCGACAACACGCTGCCCAACGAGCTGCACTGCTATGACGTG-3'
Protein context (NP_006758.2, residues 286-306): GHTMVAFDRH[Leu296=]YVFGGAADNT

ClinVar aggregate classification (germline): Likely benign. Review status: criteria provided, multiple submitters, no conflicts (2 of 4 stars). 4 submissions from 4 submitters: Likely benign (4). Last evaluated 2026-02-01.

Conditions:
Hereditary cancer-predisposing syndrome. Also called: Hereditary Cancer Syndrome; Tumor predisposition; Neoplastic Syndromes, Hereditary; Hereditary neoplastic syndrome. Identifiers: Orphanet 140162, MedGen C0027672, MeSH D009386, MONDO:0015356.
Cardiovascular phenotype. Identifiers: MedGen CN230736.

Allele frequency attached by ClinVar (database versions not stated): TOPMed 0.00003; gnomAD 0.00007 and 0.00008; ExAC 0.00019.
gnomAD v4.1: 104 of 1,584,802 alleles (0.0066%); highest among the groups gnomAD compares: Non-Finnish European, 0.005%; no homozygotes.

Submissions (5):

CeGaT Center for Human Genetics Tuebingen
Classification: Likely benign. Last evaluated: 2026-02-01. Review status: criteria provided, single submitter. Criteria: CeGaT Center For Human Genetics Tuebingen Variant Classification Criteria Version 2. Collection method: clinical testing. Allele origin: germline. Affected: yes. Observed: 3 variant alleles.
Comment: LZTR1: BP4, BP7

Labcorp Genetics (formerly Invitae), Labcorp
Classification: Likely benign. Last evaluated: 2026-01-28. Review status: criteria provided, single submitter. Criteria: Invitae Variant Classification Sherloc (09022015). Collection method: clinical testing. Allele origin: germline.

Blueprint Genetics
Classification: Likely benign. Last evaluated: 2024-07-15. Review status: criteria provided, single submitter. Criteria: ACMG Guidelines, 2015. Collection method: clinical testing. Allele origin: germline.

Ambry Genetics
Classification: Likely benign for Cardiovascular phenotype; Hereditary cancer-predisposing syndrome. Last evaluated: 2020-09-16. Review status: criteria provided, single submitter. Criteria: Ambry Variant Classification Scheme 2023. Collection method: clinical testing. Allele origin: germline.

Dr. Peter K. Rogan Lab, Western University
No classification provided (evidence only). Condition: Malignant tumor of urinary bladder. Review status: no classification provided. Collection method: in vitro. Allele origin: not applicable. Functional consequence: retained intron. Not counted in ClinVar's aggregate classification.